The following is an entry in ClinVar:

NM_001372.4(DNAH9):c.11660_11693del (p.Ala3887fs)

Gene: DNAH9 (dynein axonemal heavy chain 9; plus strand). Cytogenetic location: 17p12.
Variant type: Deletion.
Coding change: c.11660_11693del on transcript NM_001372.4 (MANE Select); coding-DNA positions 11660 to 11693, 34 bases deleted.
Protein change: p.Ala3887fs; shifts the reading frame from alanine 3887.
Molecular consequence: frameshift variant.
Genome position (GRCh38, 1-based): chr17:11,905,720-11,905,753, 34 bases deleted. GRCh37 (hg19): chr17:11,809,037-11,809,070.
Other names: c.596_629del, p.Ala199fs (NM_004662.2); short protein forms A199fs, A3887fs.
Identifiers: ClinVar variation 5041781 (VCV005041781.1).

ClinVar aggregate classification (germline): Pathogenic (1 of 4 stars; one submission).

Submission:

CeGaT Center for Human Genetics Tuebingen
Classification: Pathogenic. Last evaluated: 2026-09-01. Review status: criteria provided, single submitter. Criteria: CeGaT Center For Human Genetics Tuebingen Variant Classification Criteria Version 2. Collection method: clinical testing. Allele origin: germline. Affected: yes. Observed: 1 variant allele.
Comment: DNAH9: PVS1, PM2